The following is an entry in ClinVar:

ClinVar aggregate classification (germline): Uncertain significance (1 of 4 stars; one submission).

Submission:

GeneDx
Classification: Uncertain significance. Last evaluated: 2023-02-07. Review status: criteria provided, single submitter. Criteria: GeneDx Variant Classification Process June 2021. Collection method: clinical testing. Allele origin: germline. Affected: yes.
Comment: Not observed in large population cohorts (gnomAD); In silico analysis, which includes protein predictors and evolutionary conservation, supports a deleterious effect; Has not been previously published as pathogenic or benign to our knowledge

NM_000975.5(RPL11):c.297C>G (p.Phe99Leu)

Gene: RPL11 (ribosomal protein L11; plus strand). Cytogenetic location: 1p36.11.
Variant type: single nucleotide variant.
Coding change: c.297C>G on transcript NM_000975.5 (MANE Select); coding-DNA position 297, C replaced by G.
Protein change: p.Phe99Leu; replaces phenylalanine 99 with leucine.
Molecular consequence: missense variant.
Genome position (GRCh38, 1-based): chr1:23,694,692, C>G. VCF-style: chr1-23694692-C-G. GRCh37 (hg19) VCF-style: chr1-24021182-C-G.
Other names: c.294C>G, p.Phe98Leu (NM_001199802.1); short protein forms F98L, F99L.
Identifiers: ClinVar variation 1309088 (VCV001309088.2), dbSNP rs1059937, ClinGen allele CA338993225.
Genomic context (GRCh38, chr1:23,694,692, plus strand): 5'-AATGTTATTGCTGCATTTTTCTCCACAGGTGCGGGAGTATGAGTTAAGAAAAAACAACTT[C>G]TCAGATACTGGAAACTTTGGTTTTGGGATCCAGGAACACATCGATCTGGGTATCAAATAT-3'
Protein context (NP_000966.2, residues 89-109): VREYELRKNN[Phe99Leu]SDTGNFGFGI